The following is an entry in ClinVar:

ClinVar aggregate classification (germline): Uncertain significance (1 of 4 stars; one submission).

gnomAD v4.1: 7 of 1,614,026 alleles (0.00043%); highest among the groups gnomAD compares: Admixed American, 0.0067%; no homozygotes.

Submission:

Greenwood Genetic Center Diagnostic Laboratories, Greenwood Genetic Center
Classification: Uncertain significance. Last evaluated: 2023-02-28. Review status: criteria provided, single submitter. Criteria: ACMG Guidelines, 2015. Collection method: clinical testing. Allele origin: germline. Affected: yes.
Comment: No Applicable ACMG Criteria

NM_003212.4(CRIPTO):c.185G>C (p.Arg62Pro)

Gene: CRIPTO (cripto, EGF-CFC family member; plus strand). Cytogenetic location: 3p21.31.
Variant type: single nucleotide variant.
Coding change: c.185G>C on transcript NM_003212.4 (MANE Select); coding-DNA position 185, G replaced by C.
Protein change: p.Arg62Pro; replaces arginine 62 with proline.
Molecular consequence: missense variant.
Genome position (GRCh38, 1-based): chr3:46,579,328, G>C. VCF-style: chr3-46579328-G-C. GRCh37 (hg19) VCF-style: chr3-46620818-G-C.
Other names: c.137G>C, p.Arg46Pro (NM_001174136.2); short protein forms R46P, R62P.
Identifiers: ClinVar variation 2505187 (VCV002505187.1), dbSNP rs138710229, ClinGen allele CA2356441.